The following is an entry in ClinVar:

ClinVar aggregate classification (germline): Uncertain significance (1 of 4 stars; one submission).

Conditions:
Charcot-Marie-Tooth disease type 2. Also called: Charcot-Marie-Tooth type 2. Identifiers: Orphanet 64746, MedGen C0270914, MONDO:0018993.

gnomAD v4.1: 1 of 1,613,076 alleles (0.000062%); highest among the groups gnomAD compares: Non-Finnish European, 0.000085%; no homozygotes.

Submission:

Labcorp Genetics (formerly Invitae), Labcorp
Classification: Uncertain significance for Charcot-Marie-Tooth disease type 2. Last evaluated: 2020-07-10. Review status: criteria provided, single submitter. Criteria: Invitae Variant Classification Sherloc (09022015). Collection method: clinical testing. Allele origin: germline.
Comment: This sequence change replaces alanine with glutamic acid at codon 255 of the GARS protein (p.Ala255Glu). The alanine residue is moderately conserved and there is a moderate physicochemical difference between alanine and glutamic acid. This variant is not present in population databases (ExAC no frequency). This variant has not been reported in the literature in individuals with GARS-related conditions. Algorithms developed to predict the effect of missense changes on protein structure and function (SIFT, PolyPhen-2, Align-GVGD) all suggest that this variant is likely to be tolerated, but these predictions have not been confirmed by published functional studies and their clinical significance is uncertain. In summary, the available evidence is currently insufficient to determine the role of this variant in disease. Therefore, it has been classified as a Variant of Uncertain Significance.

NM_002047.4(GARS1):c.764C>A (p.Ala255Glu)

Gene: GARS1 (glycyl-tRNA synthetase 1; plus strand). Cytogenetic location: 7p14.3.
Variant type: single nucleotide variant.
Coding change: c.764C>A on transcript NM_002047.4 (MANE Select); coding-DNA position 764, C replaced by A.
Protein change: p.Ala255Glu; replaces alanine 255 with glutamic acid.
Molecular consequence: missense variant.
Genome position (GRCh38, 1-based): chr7:30,609,613, C>A. VCF-style: chr7-30609613-C-A. GRCh37 (hg19) VCF-style: chr7-30649229-C-A.
Other names: c.602C>A, p.Ala201Glu (NM_001316772.1); short protein forms A255E, A201E.
Identifiers: ClinVar variation 941892 (VCV000941892.9), dbSNP rs765478968, ClinGen allele CA367124155.